The following is an entry in ClinVar:

NM_170606.3(KMT2C):c.9391C>T (p.Gln3131Ter)

Gene: KMT2C (lysine methyltransferase 2C; minus strand). Cytogenetic location: 7q36.1.
Variant type: single nucleotide variant.
Coding change: c.9391C>T on transcript NM_170606.3 (MANE Select); coding-DNA position 9391, C replaced by T.
Protein change: p.Gln3131Ter; replaces glutamine 3131 with a stop codon.
Molecular consequence: nonsense.
Genome position (GRCh38, 1-based): chr7:152,171,326, G>A on the plus strand (C>T on the coding strand, the complement: KMT2C is on the minus strand). VCF-style: chr7-152171326-G-A. GRCh37 (hg19) VCF-style: chr7-151868411-G-A.
Other names: short protein forms Q3131*.
Identifiers: ClinVar variation 3384112 (VCV003384112.1).

ClinVar aggregate classification (germline): Likely pathogenic (1 of 4 stars; one submission).

Conditions:
Kleefstra syndrome 2 (KLEFS2). Identifiers: MedGen C4540395, MONDO:0054701, OMIM 617768.

Submission:

Dubai Health Genomic Medicine Center, Dubai Health
Classification: Likely pathogenic for Kleefstra syndrome 2. Last evaluated: 2024-10-04. Review status: criteria provided, single submitter. Criteria: ACMG Guidelines, 2015. Collection method: research. Allele origin: germline. Affected: yes.
Comment: PVS1,PM2